The following is an entry in ClinVar:

NM_012262.4(HS2ST1):c.231T>C (p.Ile77=)

Gene: HS2ST1 (heparan sulfate 2-O-sulfotransferase 1; plus strand). Cytogenetic location: 1p22.3.
Variant type: single nucleotide variant.
Coding change: c.231T>C on transcript NM_012262.4 (MANE Select); coding-DNA position 231, T replaced by C.
Protein change: p.Ile77=; no amino-acid change (isoleucine 77 retained).
Molecular consequence: synonymous variant.
Genome position (GRCh38, 1-based): chr1:87,073,040, T>C. VCF-style: chr1-87073040-T-C. GRCh37 (hg19) VCF-style: chr1-87538723-T-C.
Other names: c.231T>C, p.Ile77= (NM_001134492.2).
Identifiers: ClinVar variation 3025594 (VCV003025594.22), dbSNP rs1267156239, ClinGen allele CA419064215.
Genomic context (GRCh38, chr1:87,073,040, plus strand): 5'-TACAATGGATGGCCCTCGGCAAGATGCCACTTTAGATGAGGAAGAGGACATGGTGATCAT[T>C]TATAACAGAGTTCCCAAAACGGCAAGCACTTCATTTACCAATATCGCCTATGACCTGTGT-3'
Protein context (NP_036394.1, residues 67-87): TLDEEEDMVI[Ile77=]YNRVPKTAST

ClinVar aggregate classification (germline): Likely benign (1 of 4 stars; one submission).

Allele frequency attached by ClinVar (database versions not stated): gnomAD exomes below 0.00001.
gnomAD v4.1: 4 of 1,614,074 alleles (0.00025%); highest among the groups gnomAD compares: Middle Eastern, 0.016%; no homozygotes.

Submission:

CeGaT Center for Human Genetics Tuebingen
Classification: Likely benign. Last evaluated: 2024-01-01. Review status: criteria provided, single submitter. Criteria: CeGaT Center For Human Genetics Tuebingen Variant Classification Criteria Version 2. Collection method: clinical testing. Allele origin: germline. Affected: yes. Observed: 2 variant alleles.
Comment: HS2ST1: BP4, BP7